The following is an entry in ClinVar:

NM_000426.4(LAMA2):c.5509G>A (p.Asp1837Asn)

Gene: LAMA2 (laminin subunit alpha 2; plus strand). Cytogenetic location: 6q22.33.
Variant type: single nucleotide variant.
Coding change: c.5509G>A on transcript NM_000426.4 (MANE Select); coding-DNA position 5509, G replaced by A.
Protein change: p.Asp1837Asn; replaces aspartic acid 1837 with asparagine.
Molecular consequence: missense variant.
Genome position (GRCh38, 1-based): chr6:129,401,287, G>A. VCF-style: chr6-129401287-G-A. GRCh37 (hg19) VCF-style: chr6-129722432-G-A.
Other names: c.5509G>A, p.Asp1837Asn (NM_001079823.2); short protein forms D1837N.
Identifiers: ClinVar variation 477490 (VCV000477490.17), dbSNP rs749423866, ClinGen allele CA3993899.

ClinVar aggregate classification (germline): Conflicting classifications of pathogenicity. Review status: criteria provided, conflicting classifications (1 of 4 stars). 4 submissions from 4 submitters: Uncertain significance (1); Likely benign (2). 1 of the submissions does not count toward it. Last evaluated 2026-01-22.

Conditions:
LAMA2-related disorder. Also called: LAMA2-related disorders; LAMA2-related condition.
LAMA2-related muscular dystrophy (LAMA2-RD). Also called: Laminin alpha 2-related dystrophy. Identifiers: MedGen C5679788, MONDO:0100228.
Merosin deficient congenital muscular dystrophy (MDC1A). Also called: Congenital merosin-deficient muscular dystrophy 1A; Congenital Muscular Dystrophy Type 1A (MDC1A). Identifiers: Orphanet 258, MedGen C1263858, MONDO:0011925, OMIM 607855.

Allele frequency attached by ClinVar (database versions not stated): TOPMed 0.00010; gnomAD exomes 0.00026; ExAC 0.00028.
gnomAD v4.1: 83 of 1,612,932 alleles (0.0051%); highest among the groups gnomAD compares: Admixed American, 0.12%; no homozygotes.

Submissions (4):

Labcorp Genetics (formerly Invitae), Labcorp
Classification: Likely benign for LAMA2-related muscular dystrophy. Last evaluated: 2026-01-22. Review status: criteria provided, single submitter. Criteria: Invitae Variant Classification Sherloc (09022015). Collection method: clinical testing. Allele origin: germline.

Revvity Omics, Revvity
Classification: Likely benign. Last evaluated: 2025-03-06. Review status: criteria provided, single submitter. Criteria: ACMG Guidelines, 2015. Collection method: clinical testing. Allele origin: germline.

Baylor Genetics
Classification: Uncertain significance for Merosin deficient congenital muscular dystrophy. Last evaluated: 2018-07-06. Review status: criteria provided, single submitter. Criteria: ACMG Guidelines, 2015. Collection method: clinical testing. Allele origin: unknown. Affected: yes.
Comment: This variant was determined to be of uncertain significance according to ACMG Guidelines, 2015 [PMID:25741868].

PreventionGenetics, part of Exact Sciences
Classification: Likely benign for LAMA2-related condition. Last evaluated: 2023-07-11. Review status: no assertion criteria provided. Collection method: clinical testing. Allele origin: germline. Not counted in ClinVar's aggregate classification.
Comment: This variant is classified as likely benign based on ACMG/AMP sequence variant interpretation guidelines (Richards et al. 2015 PMID: 25741868, with internal and published modifications).